The following is an entry in ClinVar:

NM_020461.4(TUBGCP6):c.5150T>G (p.Leu1717Arg)

Gene: TUBGCP6 (tubulin gamma complex component 6; minus strand). Cytogenetic location: 22q13.33.
Variant type: single nucleotide variant.
Coding change: c.5150T>G on transcript NM_020461.4 (MANE Select); coding-DNA position 5150, T replaced by G.
Protein change: p.Leu1717Arg; replaces leucine 1717 with arginine.
Molecular consequence: missense variant.
Genome position (GRCh38, 1-based): chr22:50,218,207, A>C on the plus strand (T>G on the coding strand, the complement: TUBGCP6 is on the minus strand). VCF-style: chr22-50218207-A-C. GRCh37 (hg19) VCF-style: chr22-50656636-A-C.
Other names: c.5150T>G (NM_020461.3); short protein forms L1717R.
Identifiers: ClinVar variation 1937899 (VCV001937899.6), dbSNP rs779334636, ClinGen allele CA325508872.
Genomic context (GRCh38, chr22:50,218,207, plus strand): 5'-TGAGCCGTGACCACAGGGACGCAGCCGCTGCCCAGGCCTCACCTGAAGACGGCCTTGTGC[A>C]GGTACTCTGCGTGCGCACGCTGGATCTCCTCCAGGTCGCCCACGGTGGCCAACCTGGCCC-3'
Protein context (NP_065194.3, residues 1707-1727): EEIQRAHAEY[Leu1717Arg]HKAVFRGLLT

ClinVar aggregate classification (germline): Uncertain significance. Review status: criteria provided, multiple submitters, no conflicts (2 of 4 stars). 2 submissions from 2 submitters: Uncertain significance (2). Last evaluated 2025-12-03.

Conditions:
Inborn genetic diseases. Identifiers: MedGen C0950123, MeSH D030342.

Allele frequency attached by ClinVar (database versions not stated): gnomAD 0.00001.
gnomAD v4.1: 2 of 1,612,122 alleles (0.00012%); highest among the groups gnomAD compares: African/African-American, 0.0027%; no homozygotes.

Submissions (2):

Ambry Genetics
Classification: Uncertain significance for Inborn genetic diseases. Last evaluated: 2025-12-03. Review status: criteria provided, single submitter. Criteria: Ambry Variant Classification Scheme 2023. Collection method: clinical testing. Allele origin: germline.

Labcorp Genetics (formerly Invitae), Labcorp
Classification: Uncertain significance. Last evaluated: 2022-06-11. Review status: criteria provided, single submitter. Criteria: Invitae Variant Classification Sherloc (09022015). Collection method: clinical testing. Allele origin: germline.
Comment: In summary, the available evidence is currently insufficient to determine the role of this variant in disease. Therefore, it has been classified as a Variant of Uncertain Significance. Algorithms developed to predict the effect of missense changes on protein structure and function are either unavailable or do not agree on the potential impact of this missense change (SIFT: "Tolerated"; PolyPhen-2: "Probably Damaging"; Align-GVGD: "Class C0"). This variant has not been reported in the literature in individuals affected with TUBGCP6-related conditions. This variant is not present in population databases (gnomAD no frequency). This sequence change replaces leucine, which is neutral and non-polar, with arginine, which is basic and polar, at codon 1717 of the TUBGCP6 protein (p.Leu1717Arg).